The following is an entry in ClinVar:

NM_018060.4(IARS2):c.1328-18G>T

Gene: IARS2 (isoleucyl-tRNA synthetase 2, mitochondrial; plus strand). Cytogenetic location: 1q41.
Variant type: single nucleotide variant.
Coding change: c.1328-18G>T on transcript NM_018060.4 (MANE Select); 18 bases into the intron before coding-DNA position 1328, G replaced by T.
Molecular consequence: intron variant.
Genome position (GRCh38, 1-based): chr1:220,110,768, G>T. VCF-style: chr1-220110768-G-T. GRCh37 (hg19) VCF-style: chr1-220284110-G-T.
Identifiers: ClinVar variation 509460 (VCV000509460.8), dbSNP rs551635063, ClinGen allele CA1401397.
Genomic context (GRCh38, chr1:220,110,768, plus strand): 5'-TTCTGGAAGTTTAGAGCATTTTTAGGATTTTCACAGTACTTTTTAATTATGTCTAATTTG[G>T]TGTTTTTTTTTTTAAAGTTATAAAGATGCTTCAGACTGCAAAGAATTTGTTGAAAGAGGA-3'

ClinVar aggregate classification (germline): Likely benign. Review status: criteria provided, multiple submitters, no conflicts (2 of 4 stars). 2 submissions from 2 submitters: Likely benign (2). Last evaluated 2025-03-01.

Allele frequency attached by ClinVar (database versions not stated): TOPMed 0.00008; gnomAD 0.00012.
gnomAD v4.1: 185 of 1,518,474 alleles (0.012%); highest among the groups gnomAD compares: Non-Finnish European, 0.016%; no homozygotes.

Submissions (2):

Labcorp Genetics (formerly Invitae), Labcorp
Classification: Likely benign. Last evaluated: 2025-03-01. Review status: criteria provided, single submitter. Criteria: Invitae Variant Classification Sherloc (09022015). Collection method: clinical testing. Allele origin: germline.

GeneDx
Classification: Likely benign. Last evaluated: 2017-05-22. Review status: criteria provided, single submitter. Criteria: GeneDx Variant Classification (06012015). Collection method: clinical testing. Allele origin: germline. Affected: yes.
Comment: This variant is considered likely benign or benign based on one or more of the following criteria: it is a conservative change, it occurs at a poorly conserved position in the protein, it is predicted to be benign by multiple in silico algorithms, and/or has population frequency not consistent with disease.